The following is an entry in ClinVar:

ClinVar aggregate classification (germline): Pathogenic. Review status: criteria provided, single submitter (1 of 4 stars). 2 submissions from 2 submitters: Pathogenic (1). 1 of the submissions does not count toward it. Last evaluated 2013-08-14.

Conditions:
Angelman syndrome (AS). Also called: HAPPY PUPPET SYNDROME. Identifiers: Orphanet 72, MedGen C0162635, MONDO:0007113, OMIM 105830. Disease mechanism: loss of function. Inheritance: AS is caused by disruption of maternally imprinted UBE3A located within the 15q11.2-q13 Angelman syndrome/Prader-Willi syndrome (AS/PWS) region., imprinting disorder.

Submissions (2):

Genetic Services Laboratory, University of Chicago
Classification: Pathogenic for Angelman syndrome. Last evaluated: 2013-08-14. Review status: criteria provided, single submitter. Criteria: ACMG Guidelines, 2007. Collection method: clinical testing. Allele origin: germline. Inheritance: Autosomal dominant inheritance. Affected: yes.

Baylor Genetics
Classification: Pathogenic for Angelman Syndrome. Last evaluated: 2014-02-14. Review status: no assertion criteria provided. Collection method: clinical testing. Allele origin: germline. Affected: yes. Observed: 1 variant allele. Study: UBE3A Mutation Study. Not counted in ClinVar's aggregate classification.
Comment: Data collected from clinical UBE3A sequence analysis results

Literature cited by the submitters: PubMed 25212744 (cited by Baylor Genetics).

NM_130839.5(UBE3A):c.2305G>T (p.Glu769Ter)

Genes: SNHG14 (small nucleolar RNA host gene 14; plus strand), UBE3A (ubiquitin protein ligase E3A; minus strand). Cytogenetic location: 15q11.2.
Variant type: single nucleotide variant.
Coding change: c.2305G>T on transcript NM_130839.5 (MANE Select); coding-DNA position 2305, G replaced by T.
Protein change: p.Glu769Ter; replaces glutamic acid 769 with a stop codon.
Molecular consequence: nonsense. On other transcripts: non-coding transcript variant (1).
Genome position (GRCh38, 1-based): chr15:25,354,402, C>A on the plus strand (G>T on the coding strand, the complement: UBE3A is on the minus strand). VCF-style: chr15-25354402-C-A. GRCh37 (hg19) VCF-style: chr15-25599549-C-A.
Other names: c.2314G>T, p.Glu772Ter (NM_000462.5); c.2305G>T, p.Glu769Ter (NM_001354505.1, NM_001354538.2); c.2245G>T, p.Glu749Ter (NM_001354506.2, NM_001354507.2, NM_001354508.2 and 14 more transcripts); c.2149G>T, p.Glu717Ter (NM_001354545.2); c.2128G>T, p.Glu710Ter (NM_001354546.2); c.2089G>T, p.Glu697Ter (NM_001354547.2, NM_001354548.2); c.2080G>T, p.Glu694Ter (NM_001354549.2); c.1054G>T, p.Glu352Ter (NM_001354550.2); and 1 more; short protein forms E749*, E694*, E769*, E772*, E332*, E352*, E710*, E697*.
Identifiers: ClinVar variation 155971 (VCV000155971.6), dbSNP rs587781220, ClinGen allele CA333346.
Genomic context (GRCh38, chr15:25,354,402, plus strand): 5'-AAGTACCTCACCTAATCAGAACAGAGTCCCTGGTATAGCCACCGTCATATTCTGTAGTTT[C>A]TTCTAGTGCTTGGAAATCTAGATTCTGCAAATTCAAGAAAATATGTCTTAGTTATCTGCT-3'